The following is an entry in ClinVar:

NM_001145715.3(KPNA7):c.1133dup (p.Asn378fs)

Gene: KPNA7 (karyopherin subunit alpha 7; minus strand). Cytogenetic location: 7q22.1.
Variant type: Duplication.
Coding change: c.1133dup on transcript NM_001145715.3 (MANE Select); coding-DNA position 1133, one base duplicated (A; older notation c.1133dupA).
Protein change: p.Asn378fs; shifts the reading frame from asparagine 378.
Molecular consequence: frameshift variant.
Genome position (GRCh38, 1-based): chr7:99,184,930, T duplicated on the plus strand (A on the coding strand, the reverse complement: KPNA7 is on the minus strand); the first of 6 consecutive T bases (chr7:99,184,930-99,184,935); duplicating any one gives the same sequence. VCF-style (leftmost placement, unchanged base first): chr7-99184929-G-GT. GRCh37 (hg19) VCF-style: chr7-98782552-G-GT.
Other names: short protein forms N378fs.
Identifiers: ClinVar variation 1009709 (VCV001009709.7), dbSNP rs1789496212, ClinGen allele CA1728908141.

ClinVar aggregate classification (germline): Uncertain significance (1 of 4 stars; one submission).

Submission:

Labcorp Genetics (formerly Invitae), Labcorp
Classification: Uncertain significance. Last evaluated: 2022-12-02. Review status: criteria provided, single submitter. Criteria: Invitae Variant Classification Sherloc (09022015). Collection method: clinical testing. Allele origin: germline.
Comment: In summary, the available evidence is currently insufficient to determine the role of this variant in disease. Therefore, it has been classified as a Variant of Uncertain Significance. ClinVar contains an entry for this variant (Variation ID: 1009709). This variant has not been reported in the literature in individuals affected with KPNA7-related conditions. This variant is not present in population databases (gnomAD no frequency). This sequence change creates a premature translational stop signal (p.Asn378Lysfs*5) in the KPNA7 gene. It is expected to result in an absent or disrupted protein product. However, the current clinical and genetic evidence is not sufficient to establish whether loss-of-function variants in KPNA7 cause disease.